The following is an entry in ClinVar:

ClinVar aggregate classification (germline): Uncertain significance (1 of 4 stars; one submission).

Conditions:
POLD1-related polyposis and colorectal cancer syndrome (CRCS10). Also called: COLORECTAL CANCER, SUSCEPTIBILITY TO, ON CHROMOSOME 19q; Colorectal cancer 10; Colorectal cancer, susceptibility to, 10. Identifiers: Orphanet 220460, MedGen C2675481, MONDO:0012953, OMIM 612591.

Submission:

Labcorp Genetics (formerly Invitae), Labcorp
Classification: Uncertain significance for POLD1-related polyposis and colorectal cancer syndrome. Last evaluated: 2022-10-03. Review status: criteria provided, single submitter. Criteria: Invitae Variant Classification Sherloc (09022015). Collection method: clinical testing. Allele origin: germline.
Comment: Advanced modeling of protein sequence and biophysical properties (such as structural, functional, and spatial information, amino acid conservation, physicochemical variation, residue mobility, and thermodynamic stability) performed at Invitae indicates that this missense variant is expected to disrupt POLD1 protein function. In summary, the available evidence is currently insufficient to determine the role of this variant in disease. Therefore, it has been classified as a Variant of Uncertain Significance. This sequence change replaces glycine, which is neutral and non-polar, with serine, which is neutral and polar, at codon 702 of the POLD1 protein (p.Gly702Ser). This variant is not present in population databases (gnomAD no frequency). This variant has not been reported in the literature in individuals affected with POLD1-related conditions.

NM_002691.4(POLD1):c.2104G>A (p.Gly702Ser)

Gene: POLD1 (DNA polymerase delta 1, catalytic subunit; plus strand). Cytogenetic location: 19q13.33.
Variant type: single nucleotide variant.
Coding change: c.2104G>A on transcript NM_002691.4 (MANE Select); coding-DNA position 2104, G replaced by A.
Protein change: p.Gly702Ser; replaces glycine 702 with serine.
Molecular consequence: missense variant. On other transcripts: non-coding transcript variant (1).
Genome position (GRCh38, 1-based): chr19:50,409,616, G>A. VCF-style: chr19-50409616-G-A. GRCh37 (hg19) VCF-style: chr19-50912873-G-A.
Other names: c.2104G>A, p.Gly702Ser (NM_001256849.1); c.2182G>A, p.Gly728Ser (NM_001308632.1); short protein forms G702S, G728S.
Identifiers: ClinVar variation 1720907 (VCV001720907.5), dbSNP rs2122388446, ClinGen allele CA406982631.